The following is an entry in ClinVar:

ClinVar aggregate classification (germline): Uncertain significance (1 of 4 stars; one submission).

Conditions:
Jeune thoracic dystrophy. Also called: Jeune syndrome; Short-rib thoracic dysplasia; Infantile thoracic dystrophy; Thoracic pelvic phalangeal dystrophy; Jeune's syndrome; Chondroectodermal dysplasia-like syndrome. Identifiers: Orphanet 474, MedGen C0265275, MONDO:0018770.

gnomAD v4.1: 3 of 1,612,910 alleles (0.00019%); highest among the groups gnomAD compares: Admixed American, 0.005%; no homozygotes.

Submission:

Labcorp Genetics (formerly Invitae), Labcorp
Classification: Uncertain significance for Jeune thoracic dystrophy. Last evaluated: 2024-05-18. Review status: criteria provided, single submitter. Criteria: Invitae Variant Classification Sherloc (09022015). Collection method: clinical testing. Allele origin: germline.
Comment: This sequence change replaces tyrosine, which is neutral and polar, with cysteine, which is neutral and slightly polar, at codon 799 of the DYNC2H1 protein (p.Tyr799Cys). This variant is present in population databases (no rsID available, gnomAD 0.009%). This variant has not been reported in the literature in individuals affected with DYNC2H1-related conditions. Advanced modeling of protein sequence and biophysical properties (such as structural, functional, and spatial information, amino acid conservation, physicochemical variation, residue mobility, and thermodynamic stability) performed at Invitae indicates that this missense variant is expected to disrupt DYNC2H1 protein function with a positive predictive value of 95%. In summary, the available evidence is currently insufficient to determine the role of this variant in disease. Therefore, it has been classified as a Variant of Uncertain Significance.

NM_001377.3(DYNC2H1):c.2396A>G (p.Tyr799Cys)

Gene: DYNC2H1 (dynein cytoplasmic 2 heavy chain 1; plus strand). Cytogenetic location: 11q22.3.
Variant type: single nucleotide variant.
Coding change: c.2396A>G on transcript NM_001377.3 (MANE Select); coding-DNA position 2396, A replaced by G.
Protein change: p.Tyr799Cys; replaces tyrosine 799 with cysteine.
Molecular consequence: missense variant.
Genome position (GRCh38, 1-based): chr11:103,135,770, A>G. VCF-style: chr11-103135770-A-G. GRCh37 (hg19) VCF-style: chr11-103006499-A-G.
Other names: c.2396A>G, p.Tyr799Cys (NM_001080463.2); short protein forms Y799C.
Identifiers: ClinVar variation 3630777 (VCV003630777.2).